The following is an entry in ClinVar:

ClinVar aggregate classification (germline): Uncertain significance (1 of 4 stars; one submission).

Allele frequency attached by ClinVar (database versions not stated): gnomAD exomes 0.00001; TOPMed 0.00002.
gnomAD v4.1: 6 of 1,614,204 alleles (0.00037%); highest among the groups gnomAD compares: Admixed American, 0.01%; no homozygotes.

Submission:

Labcorp Genetics (formerly Invitae), Labcorp
Classification: Uncertain significance for Combined immunodeficiency due to DOCK8 deficiency. Last evaluated: 2022-06-08. Review status: criteria provided, single submitter. Criteria: Invitae Variant Classification Sherloc (09022015). Collection method: clinical testing. Allele origin: germline.
Comment: In summary, the available evidence is currently insufficient to determine the role of this variant in disease. Therefore, it has been classified as a Variant of Uncertain Significance. Algorithms developed to predict the effect of missense changes on protein structure and function output the following: SIFT: "Tolerated"; PolyPhen-2: "Benign"; Align-GVGD: "Class C0". The serine amino acid residue is found in multiple mammalian species, which suggests that this missense change does not adversely affect protein function. This variant has not been reported in the literature in individuals affected with DOCK8-related conditions. This variant is present in population databases (no rsID available, gnomAD 0.02%). This sequence change replaces cysteine, which is neutral and slightly polar, with serine, which is neutral and polar, at codon 522 of the DOCK8 protein (p.Cys522Ser).

NM_203447.4(DOCK8):c.1564T>A (p.Cys522Ser)

Gene: DOCK8 (dedicator of cytokinesis 8; plus strand). Cytogenetic location: 9p24.3.
Variant type: single nucleotide variant.
Coding change: c.1564T>A on transcript NM_203447.4 (MANE Select); coding-DNA position 1564, T replaced by A.
Protein change: p.Cys522Ser; replaces cysteine 522 with serine.
Molecular consequence: missense variant.
Genome position (GRCh38, 1-based): chr9:340,206, T>A. VCF-style: chr9-340206-T-A. GRCh37 (hg19) VCF-style: chr9-340206-T-A.
Other names: c.1360T>A, p.Cys454Ser (NM_001190458.2, NM_001193536.2); short protein forms C522S, C454S.
Identifiers: ClinVar variation 1912924 (VCV001912924.4), dbSNP rs1463562841, ClinGen allele CA372755481.